The following is an entry in ClinVar:

ClinVar aggregate classification (germline): Likely pathogenic. Review status: criteria provided, multiple submitters, no conflicts (2 of 4 stars). 2 submissions from 2 submitters: Likely pathogenic (2). Last evaluated 2025-06-25.

Conditions:
Bardet-Biedl syndrome 11 (BBS11). Identifiers: Orphanet 110, MedGen C1859569, MONDO:0014439, OMIM 615988.

Submissions (2):

Dasa
Classification: Likely pathogenic. Last evaluated: 2025-06-25. Review status: criteria provided, single submitter. Criteria: DASA Assertion Criteria. Collection method: clinical testing. Allele origin: germline.
Comment: NM_012210.4(TRIM32):c.865_866insG (p.Leu289Argfs*8) is a frameshift variant in TRIM32 predicted to alter the reading frame and introduce a premature termination codon and is predicted to result in an absent or altered protein product. Loss of function is an established disease mechanism for TRIM32-associated disorders. Also, this variant is absent from population databases. Based on the currently available evidence, this variant is classified as likely pathogenic.

Laboratorio de Genetica e Diagnostico Molecular, Hospital Israelita Albert Einstein
Classification: Likely pathogenic for Bardet-Biedl syndrome 11. Last evaluated: 2022-04-08. Review status: criteria provided, single submitter. Criteria: ACMG Guidelines, 2015. Collection method: clinical testing. Allele origin: germline. Affected: yes. Observed: 1 variant allele.
Comment: ACMG classification criteria: PVS1 very strong, PM2 moderated

NM_012210.4(TRIM32):c.865_866insG (p.Leu289fs)

Genes: ASTN2 (astrotactin 2; minus strand), TRIM32 (tripartite motif containing 32; plus strand). Cytogenetic location: 9q33.1.
Variant type: Insertion.
Coding change: c.865_866insG on transcript NM_012210.4 (MANE Select); coding-DNA positions 865 to 866, G inserted.
Protein change: p.Leu289fs; shifts the reading frame from leucine 289.
Molecular consequence: frameshift variant. On other transcripts: intron variant (3).
Genome position: GRCh38 VCF-style: chr9-116698607-C-CG. GRCh37 (hg19) VCF-style: chr9-119460886-C-CG.
Other names: c.865_866insG, p.Leu289fs (NM_001099679.2, NM_001379048.1, NM_001379049.1 and 1 more transcripts); c.2653+27163_2653+27164insC (NM_014010.5); c.2794+27163_2794+27164insC (NM_001365069.1); c.2806+27163_2806+27164insC (NM_001365068.1); short protein forms L289fs.
Identifiers: ClinVar variation 2431597 (VCV002431597.3), dbSNP rs2491063018, ClinGen allele CA2580079483.